The following is an entry in ClinVar:

NM_005276.4(GPD1):c.715G>A (p.Ala239Thr)

Gene: GPD1 (glycerol-3-phosphate dehydrogenase 1; plus strand). Cytogenetic location: 12q13.12.
Variant type: single nucleotide variant.
Coding change: c.715G>A on transcript NM_005276.4 (MANE Select); coding-DNA position 715, G replaced by A.
Protein change: p.Ala239Thr; replaces alanine 239 with threonine.
Molecular consequence: missense variant.
Genome position (GRCh38, 1-based): chr12:50,107,669, G>A. VCF-style: chr12-50107669-G-A. GRCh37 (hg19) VCF-style: chr12-50501452-G-A.
Other names: c.646G>A, p.Ala216Thr (NM_001257199.2); short protein forms A216T, A239T.
Identifiers: ClinVar variation 1214255 (VCV001214255.7), dbSNP rs147931328, ClinGen allele CA6561737.

ClinVar aggregate classification (germline): Uncertain significance. Review status: criteria provided, multiple submitters, no conflicts (2 of 4 stars). 3 submissions from 3 submitters: Uncertain significance (3). Last evaluated 2026-02-09.

Conditions:
GPD1-related disorder. Also called: GPD1-related condition.

Allele frequency attached by ClinVar (database versions not stated): gnomAD 0.00029 and 0.00032; gnomAD exomes 0.00031 and 0.00043; ExAC 0.00039; TOPMed 0.00044; ESP Exome Variant Server 0.00054.
gnomAD v4.1: 491 of 1,613,896 alleles (0.03%); highest among the groups gnomAD compares: Admixed American, 0.048%; no homozygotes.

Submissions (3):

PreventionGenetics, part of Exact Sciences
Classification: Uncertain significance for GPD1-related condition. Last evaluated: 2026-02-09. Review status: criteria provided, single submitter. Criteria: ACMG Guidelines, 2015. Collection method: clinical testing. Allele origin: germline.
Comment: The GPD1 c.715G>A variant is predicted to result in the amino acid substitution p.Ala239Thr. This variant has been reported in a cohort study with hypertriglyceridemia (Table S2, Deshotels et al. 2022. PubMed ID: 36325899). This variant is reported in 0.076% of alleles in individuals of European (Finnish) descent in gnomAD. Although we suspect that this variant may be benign, at this time, the clinical significance of this variant is uncertain due to the absence of conclusive functional and genetic evidence.

GeneDx
Classification: Uncertain significance. Last evaluated: 2024-09-10. Review status: criteria provided, single submitter. Criteria: GeneDx Variant Classification Process June 2021. Collection method: clinical testing. Allele origin: germline. Affected: yes.
Comment: In silico analysis suggests this variant may impact gene splicing. In the absence of RNA/functional studies, the actual effect of this sequence change is unknown.; In silico analysis indicates that this missense variant does not alter protein structure/function; Reported in association with hypertriglyceridemia in published literature (PMID: 36325899); This variant is associated with the following publications: (PMID: 36325899)

Labcorp Genetics (formerly Invitae), Labcorp
Classification: Uncertain significance. Last evaluated: 2022-06-23. Review status: criteria provided, single submitter. Criteria: Invitae Variant Classification Sherloc (09022015). Collection method: clinical testing. Allele origin: germline.
Comment: This sequence change replaces alanine, which is neutral and non-polar, with threonine, which is neutral and polar, at codon 239 of the GPD1 protein (p.Ala239Thr). This variant is present in population databases (rs147931328, gnomAD 0.07%). This variant has not been reported in the literature in individuals affected with GPD1-related conditions. ClinVar contains an entry for this variant (Variation ID: 1214255). Algorithms developed to predict the effect of missense changes on protein structure and function output the following: SIFT: "Tolerated"; PolyPhen-2: "Benign"; Align-GVGD: "Class C0". The threonine amino acid residue is found in multiple mammalian species, which suggests that this missense change does not adversely affect protein function. Algorithms developed to predict the effect of sequence changes on RNA splicing suggest that this variant may create or strengthen a splice site. In summary, the available evidence is currently insufficient to determine the role of this variant in disease. Therefore, it has been classified as a Variant of Uncertain Significance.